The following is an entry in ClinVar:

NM_002103.5(GYS1):c.524T>C (p.Val175Ala)

Gene: GYS1 (glycogen synthase 1; minus strand). Cytogenetic location: 19q13.33.
Variant type: single nucleotide variant.
Coding change: c.524T>C on transcript NM_002103.5 (MANE Select); coding-DNA position 524, T replaced by C.
Protein change: p.Val175Ala; replaces valine 175 with alanine.
Molecular consequence: missense variant. On other transcripts: non-coding transcript variant (1).
Genome position (GRCh38, 1-based): chr19:48,986,004, A>G on the plus strand (T>C on the coding strand, the complement: GYS1 is on the minus strand). VCF-style: chr19-48986004-A-G. GRCh37 (hg19) VCF-style: chr19-49489261-A-G.
Other names: c.332T>C, p.Val111Ala (NM_001161587.2); short protein forms V175A, V111A.
Identifiers: ClinVar variation 946427 (VCV000946427.7), dbSNP rs1432620791, ClinGen allele CA406765486.
Genomic context (GRCh38, chr19:48,986,004, plus strand): 5'-CGCCGGGCACGACACAGGCAGAGTCCAACGCCTGCCAACCACTCATGGAAGTGAGCAACC[A>G]CATGTGGCTTCTCCTCACTCTGTGCCAGGAACTGTGGGCAACAGGGACAGGGCCACTGTC-3'
Protein context (NP_002094.2, residues 165-185): FLAQSEEKPH[Val175Ala]VAHFHEWLAG

ClinVar aggregate classification (germline): Uncertain significance (1 of 4 stars; one submission).

Conditions:
Glycogen storage disease due to muscle and heart glycogen synthase deficiency. Also called: MUSCLE GLYCOGEN SYNTHASE DEFICIENCY; GSD 0b. Identifiers: Orphanet 137625, MedGen C1969054, MONDO:0012693, OMIM 611556.

Allele frequency attached by ClinVar (database versions not stated): gnomAD exomes below 0.00001; TOPMed below 0.00001; gnomAD 0.00001.
gnomAD v4.1: 2 of 1,614,054 alleles (0.00012%); highest among the groups gnomAD compares: Non-Finnish European, 0.00017%; no homozygotes.

Submission:

Labcorp Genetics (formerly Invitae), Labcorp
Classification: Uncertain significance for Glycogen storage disease due to muscle and heart glycogen synthase deficiency. Last evaluated: 2022-04-11. Review status: criteria provided, single submitter. Criteria: Invitae Variant Classification Sherloc (09022015). Collection method: clinical testing. Allele origin: germline.
Comment: This sequence change replaces valine, which is neutral and non-polar, with alanine, which is neutral and non-polar, at codon 175 of the GYS1 protein (p.Val175Ala). This variant is present in population databases (no rsID available, gnomAD 0.007%). This variant has not been reported in the literature in individuals affected with GYS1-related conditions. ClinVar contains an entry for this variant (Variation ID: 946427). Algorithms developed to predict the effect of missense changes on protein structure and function are either unavailable or do not agree on the potential impact of this missense change (SIFT: "Deleterious"; PolyPhen-2: "Benign"; Align-GVGD: "Class C0"). In summary, the available evidence is currently insufficient to determine the role of this variant in disease. Therefore, it has been classified as a Variant of Uncertain Significance.